The following is an entry in ClinVar:

ClinVar aggregate classification (germline): Benign/Likely benign. Review status: criteria provided, multiple submitters, no conflicts (2 of 4 stars). 2 submissions from 2 submitters: Benign (1); Likely benign (1). Last evaluated 2018-11-08.

Conditions:
Maturity-onset diabetes of the young type 7 (MODY7). Identifiers: Orphanet 552, MedGen C1864839, MONDO:0012513, OMIM 610508.

Allele frequency attached by ClinVar (database versions not stated): gnomAD exomes 0.00083; gnomAD 0.00681 and 0.00733; 1000 Genomes Project 0.00779; 1000 Genomes Project 30x 0.00796; TOPMed 0.00849.
gnomAD v4.1: 1,324 of 494,302 alleles (0.27%); highest among the groups gnomAD compares: African/African-American, 2.3%; 18 homozygotes.

Submissions (2):

GeneDx
Classification: Likely benign. Last evaluated: 2018-11-08. Review status: criteria provided, single submitter. Criteria: GeneDx Variant Classification Process June 2021. Collection method: clinical testing. Allele origin: germline. Affected: yes.

Illumina Laboratory Services, Illumina
Classification: Benign for Maturity-onset diabetes of the young type 7. Last evaluated: 2018-01-12. Review status: criteria provided, single submitter. Criteria: ICSL Variant Classification Criteria 13 December 2019. Collection method: clinical testing. Allele origin: germline.
Comment: This variant was observed in the ICSL laboratory as part of a predisposition screen in an ostensibly healthy population. It had not been previously curated by ICSL or reported in the Human Gene Mutation Database (HGMD: prior to June 1st, 2018), and was therefore a candidate for classification through an automated scoring system. Utilizing variant allele frequency, disease prevalence and penetrance estimates, and inheritance mode, an automated score was calculated to assess if this variant is too frequent to cause the disease. Based on the score and internal cut-off values, a variant classified as benign is not then subjected to further curation. The score for this variant resulted in a classification of benign for this disease.

NM_003597.5(KLF11):c.*235T>C

Gene: KLF11 (KLF transcription factor 11; plus strand). Cytogenetic location: 2p25.1.
Variant type: single nucleotide variant.
Coding change: c.*235T>C on transcript NM_003597.5 (MANE Select); 235 bases downstream of the stop codon, T replaced by C.
Molecular consequence: 3 prime UTR variant.
Genome position (GRCh38, 1-based): chr2:10,052,742, T>C. VCF-style: chr2-10052742-T-C. GRCh37 (hg19) VCF-style: chr2-10192869-T-C.
Other names: c.*235T>C (NM_001177716.2, NM_001177718.2).
Identifiers: ClinVar variation 330651 (VCV000330651.6), dbSNP rs150051327, ClinGen allele CA10610923.